The following is an entry in ClinVar:

ClinVar aggregate classification (germline): Pathogenic. Review status: criteria provided, multiple submitters, no conflicts (2 of 4 stars). 2 submissions from 2 submitters: Pathogenic (2). Last evaluated 2025-09-02.

Conditions:
Hereditary cancer-predisposing syndrome. Also called: Hereditary Cancer Syndrome; Hereditary neoplastic syndrome; Neoplastic Syndromes, Hereditary; Tumor predisposition. Identifiers: Orphanet 140162, MedGen C0027672, MeSH D009386, MONDO:0015356.
Hereditary breast ovarian cancer syndrome. Also called: Hereditary breast and ovarian cancer; BRCA1- and BRCA2-Associated Hereditary Breast and Ovarian Cancer; Hereditary breast and ovarian cancer syndrome (HBOC); Hereditary breast and ovarian cancer syndrome; Breast and ovarian cancer; Hereditary breast and/or ovarian cancer syndrome. Identifiers: Orphanet 145, MedGen C0677776, MeSH D061325, MONDO:0003582. Disease mechanism: loss of function.

Submissions (2):

Ambry Genetics
Classification: Pathogenic for Hereditary cancer-predisposing syndrome. Last evaluated: 2025-09-02. Review status: criteria provided, single submitter. Criteria: Ambry Variant Classification Scheme 2023. Collection method: clinical testing. Allele origin: germline.
Comment: The c.1303_1309delGATCCTC pathogenic mutation, located in coding exon 9 of the BRCA1 gene, results from a deletion of 7 nucleotides at nucleotide positions 1303 to 1309, causing a translational frameshift with a predicted alternate stop codon (p.D435Mfs*4). This variant is considered to be rare based on population cohorts in the Genome Aggregation Database (gnomAD). This alteration is expected to result in loss of function by premature protein truncation or nonsense-mediated mRNA decay. As such, this alteration is interpreted as a disease-causing mutation.

Labcorp Genetics (formerly Invitae), Labcorp
Classification: Pathogenic for Hereditary breast ovarian cancer syndrome. Last evaluated: 2022-09-19. Review status: criteria provided, single submitter. Criteria: Invitae Variant Classification Sherloc (09022015). Collection method: clinical testing. Allele origin: germline.
Comment: For these reasons, this variant has been classified as Pathogenic. This premature translational stop signal has been observed in individual(s) with breast cancer (PMID: 30014164). This variant is not present in population databases (gnomAD no frequency). This sequence change creates a premature translational stop signal (p.Asp435Metfs*4) in the BRCA1 gene. It is expected to result in an absent or disrupted protein product. Loss-of-function variants in BRCA1 are known to be pathogenic (PMID: 20104584).

Literature cited by the submitters: PubMed 30014164 (cited by Labcorp Genetics (formerly Invitae), Labcorp); PubMed 20104584 (cited by Labcorp Genetics (formerly Invitae), Labcorp).

NM_007294.4(BRCA1):c.1303_1309del (p.Asp435fs)

Gene: BRCA1 (BRCA1 DNA repair associated; minus strand). Cytogenetic location: 17q21.31.
Variant type: Deletion.
Coding change: c.1303_1309del on transcript NM_007294.4 (MANE Select); coding-DNA positions 1303 to 1309, 7 bases deleted (GATCCTC; older notation c.1303_1309delGATCCTC).
Protein change: p.Asp435fs; shifts the reading frame from aspartic acid 435.
Molecular consequence: frameshift variant. On other transcripts: intron variant (137).
Genome position (GRCh38, 1-based): chr17:43,094,222-43,094,228, GAGGATC deleted on the plus strand (GATCCTC on the coding strand, the reverse complement: BRCA1 is on the minus strand). VCF-style (leftmost placement, unchanged base first): chr17-43094221-TGAGGATC-T. GRCh37 (hg19) VCF-style: chr17-41246238-TGAGGATC-T.
Other names: c.646+516_646+522del (NM_001408461.1, NM_001408458.1, NM_001408469.1 and 11 more transcripts); c.784+516_784+522del (NM_001408397.1, NM_001408401.1, NM_001408396.1 and 13 more transcripts); c.787+516_787+522del (NM_001407976.1, NM_001407993.1, NM_001407980.1 and 19 more transcripts); c.643+516_643+522del (NM_001408464.1, NM_001408470.1, NM_001408468.1 and 3 more transcripts); c.523+516_523+522del (NM_001408498.1, NM_001408501.1, NM_001408500.1 and 3 more transcripts); c.652+516_652+522del (NM_001408451.1); c.664+516_664+522del (NM_001408436.1, NM_001408444.1, NM_001408438.1 and 12 more transcripts); c.1303_1309del, p.Asp435fs (NM_001407593.1, NM_001407594.1, NM_001407596.1 and 30 more transcripts); and 40 more; short protein forms D388fs, D435fs, D267fs, D307fs, D365fs, D432fs, D323fs, D346fs.
Identifiers: ClinVar variation 1769454 (VCV001769454.8), dbSNP rs2552217036, ClinGen allele CA2499224545.
Genomic context (GRCh38, chr17:43,094,221, plus strand): 5'-TCAATATTACTCTCTACTGATTTGGAGTGAACTCTTTCACTTTTACATATTAAAGCCTCA[TGAGGATC>T]ACTGGCCAGTAAGTCTATTTTCTCTGAAGAACCAGAATATTCATCTACCTCATTTAGAAC-3'